The following is an entry in ClinVar:

ClinVar aggregate classification (germline): Likely benign (1 of 4 stars; one submission).

Conditions:
B4GALT7-related disorder. Also called: B4GALT7-related condition.

gnomAD v4.1: 2 of 1,608,626 alleles (0.00012%); highest among the groups gnomAD compares: Non-Finnish European, 0.00017%; no homozygotes.

Submission:

PreventionGenetics, part of Exact Sciences
Classification: Likely benign for B4GALT7-related condition. Last evaluated: 2025-01-27. Review status: criteria provided, single submitter. Criteria: ACMG Guidelines, 2015. Collection method: clinical testing. Allele origin: germline.
Comment: This variant is classified as likely benign based on ACMG/AMP sequence variant interpretation guidelines (Richards et al. 2015 PMID: 25741868, with internal and published modifications).

NM_007255.3(B4GALT7):c.828+5T>A

Gene: B4GALT7 (beta-1,4-galactosyltransferase 7; plus strand). Cytogenetic location: 5q35.3.
Variant type: single nucleotide variant.
Coding change: c.828+5T>A on transcript NM_007255.3 (MANE Select); 5 bases into the intron after coding-DNA position 828, T replaced by A.
Molecular consequence: intron variant.
Genome position (GRCh38, 1-based): chr5:177,609,019, T>A. VCF-style: chr5-177609019-T-A. GRCh37 (hg19) VCF-style: chr5-177036020-T-A.
Identifiers: ClinVar variation 4990494 (VCV004990494.1).